The following is an entry in ClinVar:

ClinVar aggregate classification (germline): Uncertain significance (1 of 4 stars; one submission).

Conditions:
Joubert syndrome. Also called: Familial aplasia of the vermis; JOUBERT-BOLTSHAUSER SYNDROME; CEREBELLOPARENCHYMAL DISORDER IV. Identifiers: Orphanet 475, MedGen C5979921, MONDO:0018772.
Orofaciodigital syndrome I (OFD1). Also called: Papillon-Leage and Psaume Syndrome; OFDS I; Oral-Facial-Digital Syndrome Type I. Identifiers: Orphanet 2750, MedGen C1510460, MONDO:0010702, OMIM 311200.

gnomAD v4.1: 1 of 1,203,495 alleles (0.000083%); highest among the groups gnomAD compares: South Asian, 0.0018%; no homozygotes.

Submission:

Labcorp Genetics (formerly Invitae), Labcorp
Classification: Uncertain significance for Orofaciodigital syndrome I; Joubert syndrome. Last evaluated: 2025-03-22. Review status: criteria provided, single submitter. Criteria: Invitae Variant Classification Sherloc (09022015). Collection method: clinical testing. Allele origin: germline.
Comment: This sequence change replaces aspartic acid, which is acidic and polar, with glutamic acid, which is acidic and polar, at codon 975 of the OFD1 protein (p.Asp975Glu). This variant is not present in population databases (gnomAD no frequency). This variant has not been reported in the literature in individuals affected with OFD1-related conditions. Invitae Evidence Modeling of protein sequence and biophysical properties (such as structural, functional, and spatial information, amino acid conservation, physicochemical variation, residue mobility, and thermodynamic stability) indicates that this missense variant is not expected to disrupt OFD1 protein function with a negative predictive value of 80%. In summary, the available evidence is currently insufficient to determine the role of this variant in disease. Therefore, it has been classified as a Variant of Uncertain Significance.

NM_003611.3(OFD1):c.2925T>A (p.Asp975Glu)

Gene: OFD1 (OFD1 centriole and centriolar satellite protein; plus strand). Cytogenetic location: Xp22.2.
Variant type: single nucleotide variant.
Coding change: c.2925T>A on transcript NM_003611.3 (MANE Select); coding-DNA position 2925, T replaced by A.
Protein change: p.Asp975Glu; replaces aspartic acid 975 with glutamic acid.
Molecular consequence: missense variant.
Genome position (GRCh38, 1-based): chrX:13,768,221, T>A. VCF-style: chrX-13768221-T-A. GRCh37 (hg19) VCF-style: chrX-13786340-T-A.
Other names: c.2805T>A, p.Asp935Glu (NM_001330209.2); c.2505T>A, p.Asp835Glu (NM_001330210.2); c.2814T>A, p.Asp938Glu (NM_001440947.1); c.2694T>A, p.Asp898Glu (NM_001440948.1); short protein forms D835E, D935E, D938E, D898E, D975E.
Identifiers: ClinVar variation 4788151 (VCV004788151.1).
Genomic context (GRCh38, chrX:13,768,221, plus strand): 5'-AAATCCTTTAGAGAAATACATGAAAATCATCCAGCAGGAGCAAGACCAGGAGTCGGCAGA[T>A]AAGGTGCCAGTGCCATGGGCAGGGCAATCTGTGGGTGGGGGACATCCAGGGCTTCCGTGG-3'
Protein context (NP_003602.1, residues 965-985): IQQEQDQESA[Asp975Glu]KSSKKMVQEG